The following is an entry in ClinVar:

ClinVar aggregate classification (germline): Conflicting classifications of pathogenicity. Review status: criteria provided, conflicting classifications (1 of 4 stars). 6 submissions from 6 submitters: Uncertain significance (3); Likely benign (1). 2 of the submissions do not count toward it. Last evaluated 2026-08-25.

Conditions:
Alstrom syndrome (ALMS). Identifiers: Orphanet 64, MedGen C0268425, MONDO:0008763, OMIM 203800.
Cardiovascular phenotype. Identifiers: MedGen CN230736.

Allele frequency attached by ClinVar (database versions not stated): gnomAD exomes 0.00004; ExAC 0.00005; gnomAD 0.00005.
gnomAD v4.1: 60 of 1,614,140 alleles (0.0037%); highest among the groups gnomAD compares: Admixed American, 0.005%; no homozygotes.

Submissions (6):

GeneDx
Classification: Uncertain significance. Last evaluated: 2026-08-25. Review status: criteria provided, single submitter. Criteria: GeneDx Variant Classification Process June 2021. Collection method: clinical testing. Allele origin: germline.
Comment: Not observed at significant frequency in large population cohorts (gnomAD); In silico analysis suggests that this missense variant does not alter protein structure/function; Has not been previously published as pathogenic or benign to our knowledge

Labcorp Genetics (formerly Invitae), Labcorp
Classification: Uncertain significance for Alstrom syndrome. Last evaluated: 2025-12-13. Review status: criteria provided, single submitter. Criteria: Invitae Variant Classification Sherloc (09022015). Collection method: clinical testing. Allele origin: germline.
Comment: This sequence change replaces glutamic acid, which is acidic and polar, with glycine, which is neutral and non-polar, at codon 3932 of the ALMS1 protein (p.Glu3932Gly). This variant is present in population databases (rs776808559, gnomAD 0.006%). This variant has not been reported in the literature in individuals affected with ALMS1-related conditions. ClinVar contains an entry for this variant (Variation ID: 1206236). Experimental studies and prediction algorithms are not available or were not evaluated, and the functional significance of this variant is currently unknown. In summary, the available evidence is currently insufficient to determine the role of this variant in disease. Therefore, it has been classified as a Variant of Uncertain Significance.

Ambry Genetics
Classification: Likely benign for Cardiovascular phenotype. Last evaluated: 2025-04-10. Review status: criteria provided, single submitter. Criteria: Ambry Variant Classification Scheme 2023. Collection method: clinical testing. Allele origin: germline.

Blueprint Genetics
Classification: Uncertain significance. Last evaluated: 2018-10-15. Review status: criteria provided, single submitter. Criteria: ACMG Guidelines, 2015. Collection method: clinical testing. Allele origin: germline.

Clinical Genetics DNA and cytogenetics Diagnostics Lab, Erasmus MC, Erasmus Medical Center
Classification: Likely benign. Review status: no assertion criteria provided. Collection method: clinical testing. Allele origin: germline. Affected: yes. Study: VKGL Data-share Consensus. Not counted in ClinVar's aggregate classification.

Laboratory of Diagnostic Genome Analysis, Leiden University Medical Center (LUMC)
Classification: Likely benign. Review status: no assertion criteria provided. Collection method: clinical testing. Allele origin: germline. Affected: yes. Study: VKGL Data-share Consensus. Not counted in ClinVar's aggregate classification.

NM_001378454.1(ALMS1):c.11792A>G (p.Glu3931Gly)

Gene: ALMS1 (ALMS1 centrosome and basal body associated protein; plus strand). Cytogenetic location: 2p13.1.
Variant type: single nucleotide variant.
Coding change: c.11792A>G on transcript NM_001378454.1 (MANE Select); coding-DNA position 11792, A replaced by G.
Protein change: p.Glu3931Gly; replaces glutamic acid 3931 with glycine.
Molecular consequence: missense variant.
Genome position (GRCh38, 1-based): chr2:73,600,801, A>G. VCF-style: chr2-73600801-A-G. GRCh37 (hg19) VCF-style: chr2-73827928-A-G.
Other names: c.11795A>G, p.Glu3932Gly (NM_015120.4); short protein forms E3931G, E3932G.
Identifiers: ClinVar variation 1206236 (VCV001206236.13), dbSNP rs776808559, ClinGen allele CA1715325.